The following is an entry in ClinVar:

NM_001983.4(ERCC1):c.843+32G>A

Gene: ERCC1 (ERCC excision repair 1, endonuclease non-catalytic subunit; minus strand). Cytogenetic location: 19q13.32.
Variant type: single nucleotide variant.
Coding change: c.843+32G>A on transcript NM_001983.4 (MANE Select); 32 bases into the intron after coding-DNA position 843, G replaced by A.
Molecular consequence: intron variant. On other transcripts: nonsense (5).
Genome position (GRCh38, 1-based): chr19:45,413,645, C>T on the plus strand (G>A on the coding strand, the complement: ERCC1 is on the minus strand). VCF-style: chr19-45413645-C-T. GRCh37 (hg19) VCF-style: chr19-45916903-C-T.
Other names: c.875G>A, p.Trp292Ter (NM_001369408.1, NM_001369409.1, NM_202001.3); c.803G>A, p.Trp268Ter (NM_001369410.1, NM_001369411.1); c.843+32G>A (NM_001369412.1, NM_001369413.1, NM_001369414.1 and 2 more transcripts); c.771+32G>A (NM_001369417.1, NM_001369418.1, NM_001166049.2 and 1 more transcripts); short protein forms W292*, W268*.
Identifiers: ClinVar variation 329534 (VCV000329534.40), dbSNP rs116640350, ClinGen allele CA9515262.
Genomic context (GRCh38, chr19:45,413,645, plus strand): 5'-TTTTTCACCTTAAAACTTTGGGGTCTCAGGTTGTGTTTATTTGGGGCTCTCTCCTTCCCC[C>T]AACTCCTTGGGTTCTTTCCCAGAGCTCTTACTTTCTGAGGGCCCAGGCCTGGGCATAAGG-3'

ClinVar aggregate classification (germline): Benign/Likely benign. Review status: criteria provided, multiple submitters, no conflicts (2 of 4 stars). 7 submissions from 7 submitters: Benign (6); Likely benign (1). Last evaluated 2026-01-24.

Conditions:
Cerebrooculofacioskeletal syndrome 4 (COFS4). Identifiers: MedGen C1853100, MONDO:0012554, OMIM 610758.

Allele frequency attached by ClinVar (database versions not stated): gnomAD exomes 0.00201; ExAC 0.00248; gnomAD 0.00729; TOPMed 0.00812; ESP Exome Variant Server 0.00884; 1000 Genomes Project 30x 0.00906; 1000 Genomes Project 0.00938.
gnomAD v4.1: 2,254 of 1,614,236 alleles (0.14%); highest among the groups gnomAD compares: African/African-American, 2.5%; 39 homozygotes.

Submissions (7):

Labcorp Genetics (formerly Invitae), Labcorp
Classification: Benign. Last evaluated: 2026-01-24. Review status: criteria provided, single submitter. Criteria: Invitae Variant Classification Sherloc (09022015). Collection method: clinical testing. Allele origin: germline.

Genomic Medicine Center of Excellence, King Faisal Specialist Hospital and Research Centre
Classification: Likely benign. Last evaluated: 2025-08-18. Review status: criteria provided, single submitter. Criteria: ACMG Guidelines, 2015. Collection method: clinical testing. Allele origin: germline.

CeGaT Center for Human Genetics Tuebingen
Classification: Benign. Last evaluated: 2024-08-01. Review status: criteria provided, single submitter. Criteria: CeGaT Center For Human Genetics Tuebingen Variant Classification Criteria Version 2. Collection method: clinical testing. Allele origin: germline. Affected: yes. Observed: 5 variant alleles.
Comment: ERCC1: BS1, BS2

Dubai Health Genomic Medicine Center, Dubai Health
Classification: Benign for Cerebrooculofacioskeletal syndrome 4. Last evaluated: 2020-01-02. Review status: criteria provided, single submitter. Criteria: ACMG Guidelines, 2015. Collection method: clinical testing. Allele origin: germline. Affected: yes.

GeneDx
Classification: Benign. Last evaluated: 2019-11-04. Review status: criteria provided, single submitter. Criteria: GeneDx Variant Classification Process June 2021. Collection method: clinical testing. Allele origin: germline. Affected: yes.
Comment: This variant is associated with the following publications: (PMID: 29868112)

Center for Pediatric Genomic Medicine, Children's Mercy Hospital and Clinics
Classification: Benign. Last evaluated: 2017-01-12. Review status: criteria provided, single submitter. Criteria: ACMG Guidelines, 2015. Collection method: clinical testing. Allele origin: germline.

Breakthrough Genomics
Classification: Benign. Review status: criteria provided, single submitter. Criteria: ACMG Guidelines, 2015. Collection method: not provided. Allele origin: germline. Inheritance: Autosomal recessive inheritance. Affected: yes.